The following is an entry in ClinVar:

NM_017934.7(PHIP):c.3039G>C (p.Val1013=)

Genes: IRAK1BP1 (interleukin 1 receptor associated kinase 1 binding protein 1; plus strand), PHIP (PHIP subunit of CUL4-Ring ligase complex; minus strand). Cytogenetic location: 6q14.1.
Variant type: single nucleotide variant.
Coding change: c.3039G>C on transcript NM_017934.7 (MANE Select); coding-DNA position 3039, G replaced by C.
Protein change: p.Val1013=; no amino-acid change (valine 1013 retained).
Molecular consequence: synonymous variant.
Genome position (GRCh38, 1-based): chr6:78,970,132, C>G on the plus strand (G>C on the coding strand, the complement: PHIP is on the minus strand). VCF-style: chr6-78970132-C-G. GRCh37 (hg19) VCF-style: chr6-79679849-C-G.
Identifiers: ClinVar variation 3355091 (VCV003355091.1).
Genomic context (GRCh38, chr6:78,970,132, plus strand): 5'-CAGTTTACCAGTATCAGGATCTAGAAAAGCAAGTTTAAGGCAGCAAAGGGTAGGTAATCC[C>G]ACTTCATACTTTATGCCAACTATTTTCATAAGTTCTTGTTCCTGAGAGAGACAGAGAATA-3'
Protein context (NP_060404.4, residues 1003-1023): LMKIVGIKYE[Val1013=]GLPTLCCLKL

ClinVar aggregate classification (germline): Likely benign (0 of 4 stars; one submission).

Conditions:
PHIP-related disorder. Also called: PHIP-related condition; PHIP-related disorders.

gnomAD v4.1: 1 of 1,611,660 alleles (0.000062%); highest among the groups gnomAD compares: Non-Finnish European, 0.000085%; no homozygotes.

Submission:

PreventionGenetics, part of Exact Sciences
Classification: Likely benign for PHIP-related condition. Last evaluated: 2021-10-27. Review status: no assertion criteria provided. Collection method: clinical testing. Allele origin: germline.
Comment: This variant is classified as likely benign based on ACMG/AMP sequence variant interpretation guidelines (Richards et al. 2015 PMID: 25741868, with internal and published modifications).